The following is an entry in ClinVar:

NM_017950.4(CCDC40):c.2682G>A (p.Ala894=)

Gene: CCDC40 (coiled-coil domain 40 molecular ruler complex subunit; plus strand). Cytogenetic location: 17q25.3.
Variant type: single nucleotide variant.
Coding change: c.2682G>A on transcript NM_017950.4 (MANE Select); coding-DNA position 2682, G replaced by A.
Protein change: p.Ala894=; no amino-acid change (alanine 894 retained).
Molecular consequence: synonymous variant.
Genome position (GRCh38, 1-based): chr17:80,088,073, G>A. VCF-style: chr17-80088073-G-A. GRCh37 (hg19) VCF-style: chr17-78061872-G-A.
Other names: c.2682G>A, p.Ala894= (NM_001243342.2).
Identifiers: ClinVar variation 260962 (VCV000260962.26), dbSNP rs4889815, ClinGen allele CA8814302.

ClinVar aggregate classification (germline): Benign/Likely benign. Review status: criteria provided, multiple submitters, no conflicts (2 of 4 stars). 8 submissions from 8 submitters: Benign (5); Likely benign (3). Last evaluated 2026-02-03.

Conditions:
Primary ciliary dyskinesia. Also called: Ciliary dyskinesia. Identifiers: Orphanet 244, MedGen C0008780, MONDO:0016575, HP:0012265.
Primary ciliary dyskinesia 15. Also called: CILIARY DYSKINESIA, PRIMARY, 15, WITH OR WITHOUT SITUS INVERSUS. Identifiers: Orphanet 244, MedGen C3151137, MONDO:0013435, OMIM 613808.

Allele frequency attached by ClinVar (database versions not stated): ESP Exome Variant Server 0.00608; gnomAD 0.00968 and 0.01013; TOPMed 0.00991; 1000 Genomes Project 30x 0.01327; 1000 Genomes Project 0.01398; ExAC 0.01459; gnomAD exomes 0.01461.
gnomAD v4.1: 17,924 of 1,613,594 alleles (1.1%); highest among the groups gnomAD compares: East Asian, 4.9%; 198 homozygotes.

Submissions (8):

Labcorp Genetics (formerly Invitae), Labcorp
Classification: Benign for Primary ciliary dyskinesia. Last evaluated: 2026-02-03. Review status: criteria provided, single submitter. Criteria: Invitae Variant Classification Sherloc (09022015). Collection method: clinical testing. Allele origin: germline.

ARUP Laboratories, Molecular Genetics and Genomics, ARUP Laboratories
Classification: Benign for Primary ciliary dyskinesia 15. Last evaluated: 2025-05-05. Review status: criteria provided, single submitter. Criteria: ARUP Molecular Germline Variant Investigation Process 2024. Collection method: clinical testing. Allele origin: germline.

Blueprint Genetics
Classification: Likely benign. Last evaluated: 2024-11-26. Review status: criteria provided, single submitter. Criteria: ACMG Guidelines, 2015. Collection method: clinical testing. Allele origin: germline.

GeneDx
Classification: Likely benign. Last evaluated: 2020-04-07. Review status: criteria provided, single submitter. Criteria: GeneDx Variant Classification Process June 2021. Collection method: clinical testing. Allele origin: germline. Affected: yes.

Illumina Laboratory Services, Illumina
Classification: Benign for Primary ciliary dyskinesia 15. Last evaluated: 2017-04-27. Review status: criteria provided, single submitter. Criteria: ICSL Variant Classification Criteria 13 December 2019. Collection method: clinical testing. Allele origin: germline.
Comment: This variant was observed as part of a predisposition screen in an ostensibly healthy population. A literature search was performed for the gene, cDNA change, and amino acid change (where applicable). Publications were found based on this search. The evidence from the literature, in combination with allele frequency data from public databases where available, was sufficient to rule this variant out of causing disease. Therefore, this variant is classified as benign.

Ambry Genetics
Classification: Benign for Primary ciliary dyskinesia. Last evaluated: 2016-08-05. Review status: criteria provided, single submitter. Criteria: Ambry Variant Classification Scheme 2023. Collection method: clinical testing. Allele origin: germline.

Breakthrough Genomics
Classification: Likely benign. Review status: criteria provided, single submitter. Criteria: ACMG Guidelines, 2015. Collection method: not provided. Allele origin: germline. Inheritance: Autosomal recessive inheritance. Affected: yes.

PreventionGenetics, part of Exact Sciences
Classification: Benign. Review status: criteria provided, single submitter. Criteria: ACMG Guidelines, 2015. Collection method: clinical testing. Allele origin: germline.

Literature cited by the submitters: PubMed 25877373 (cited by Illumina Laboratory Services, Illumina).